The following is an entry in ClinVar:

ClinVar aggregate classification (germline): Uncertain significance (1 of 4 stars; one submission).

Conditions:
Tuberous sclerosis 2 (TSC2). Identifiers: Orphanet 805, MedGen C1860707, MONDO:0013199, OMIM 613254.

Submission:

Labcorp Genetics (formerly Invitae), Labcorp
Classification: Uncertain significance for Tuberous sclerosis 2. Last evaluated: 2022-05-30. Review status: criteria provided, single submitter. Criteria: Invitae Variant Classification Sherloc (09022015). Collection method: clinical testing. Allele origin: germline.
Comment: In summary, the available evidence is currently insufficient to determine the role of this variant in disease. Therefore, it has been classified as a Variant of Uncertain Significance. Advanced modeling of protein sequence and biophysical properties (such as structural, functional, and spatial information, amino acid conservation, physicochemical variation, residue mobility, and thermodynamic stability) performed at Invitae indicates that this missense variant is not expected to disrupt TSC2 protein function. This variant has not been reported in the literature in individuals affected with TSC2-related conditions. This variant is not present in population databases (gnomAD no frequency). This sequence change replaces glutamic acid, which is acidic and polar, with aspartic acid, which is acidic and polar, at codon 92 of the TSC2 protein (p.Glu92Asp).

NM_000548.5(TSC2):c.276G>T (p.Glu92Asp)

Gene: TSC2 (TSC complex subunit 2; plus strand). Cytogenetic location: 16p13.3.
Variant type: single nucleotide variant.
Coding change: c.276G>T on transcript NM_000548.5 (MANE Select); coding-DNA position 276, G replaced by T.
Protein change: p.Glu92Asp; replaces glutamic acid 92 with aspartic acid.
Molecular consequence: missense variant. On other transcripts: intron variant (2).
Genome position (GRCh38, 1-based): chr16:2,053,392, G>T. VCF-style: chr16-2053392-G-T. GRCh37 (hg19) VCF-style: chr16-2103393-G-T.
Other names: c.276G>T, p.Glu92Asp (NM_001406663.1, NM_001406664.1, NM_001406665.1 and 10 more transcripts); c.129G>T, p.Glu43Asp (NM_001406675.1, NM_001406676.1, NM_001406677.1 and 2 more transcripts); c.-541G>T (NM_001406680.1, NM_001406683.1, NM_001406687.1); c.-170G>T (NM_001406681.1); c.-1156G>T (NM_001406689.1, NM_001406690.1, NM_001406691.1 and 2 more transcripts); c.-1462G>T (NM_001406693.1); c.-1037G>T (NM_001406694.1, NM_001406695.1); c.-1144G>T (NM_001406696.1); and 4 more; short protein forms E103D, E43D, E92D.
Identifiers: ClinVar variation 2000996 (VCV002000996.4), dbSNP rs1271369775, ClinGen allele CA394305701.